The following is an entry in ClinVar:

ClinVar aggregate classification (germline): Uncertain significance (1 of 4 stars; one submission).

Conditions:
Inborn genetic diseases. Identifiers: MedGen C0950123, MeSH D030342.

Submission:

Ambry Genetics
Classification: Uncertain significance for Inborn genetic diseases. Last evaluated: 2025-08-20. Review status: criteria provided, single submitter. Criteria: Ambry Variant Classification Scheme 2023. Collection method: clinical testing. Allele origin: germline.
Comment: The p.R419K variant (also known as c.1256G>A), located in coding exon 9 of the BMPR2 gene, results from a G to A substitution at nucleotide position 1256. The arginine at codon 419 is replaced by lysine, an amino acid with highly similar properties. This amino acid position is conserved. In addition, this alteration is predicted to be deleterious by in silico analysis. Based on the available evidence, the clinical significance of this variant remains unclear.

NM_001204.7(BMPR2):c.1256G>A (p.Arg419Lys)

Gene: BMPR2 (bone morphogenetic protein receptor type 2; plus strand). Cytogenetic location: 2q33.2.
Variant type: single nucleotide variant.
Coding change: c.1256G>A on transcript NM_001204.7 (MANE Select); coding-DNA position 1256, G replaced by A.
Protein change: p.Arg419Lys; replaces arginine 419 with lysine.
Molecular consequence: missense variant.
Genome position (GRCh38, 1-based): chr2:202,532,712, G>A. VCF-style: chr2-202532712-G-A. GRCh37 (hg19) VCF-style: chr2-203397435-G-A.
Other names: short protein forms R419K.
Identifiers: ClinVar variation 4214521 (VCV004214521.1).